The following is an entry in ClinVar:

NM_015294.6(TRIM37):c.2240A>G (p.Asn747Ser)

Gene: TRIM37 (tripartite motif containing 37; minus strand). Cytogenetic location: 17q22.
Variant type: single nucleotide variant.
Coding change: c.2240A>G on transcript NM_015294.6 (MANE Select); coding-DNA position 2240, A replaced by G.
Protein change: p.Asn747Ser; replaces asparagine 747 with serine.
Molecular consequence: missense variant. On other transcripts: non-coding transcript variant (2).
Genome position (GRCh38, 1-based): chr17:59,028,432, T>C on the plus strand (A>G on the coding strand, the complement: TRIM37 is on the minus strand). VCF-style: chr17-59028432-T-C. GRCh37 (hg19) VCF-style: chr17-57105793-T-C.
Other names: p.Asn747Ser; c.2240A>G (NM_015294.4); c.2240A>G, p.Asn747Ser (NM_001005207.5, NM_001320988.3, NM_001320989.3 and 1 more transcripts); c.2138A>G, p.Asn713Ser (NM_001320987.3, NM_001353082.2); c.1874A>G, p.Asn625Ser (NM_001320990.3); c.1505A>G, p.Asn502Ser (NM_001353083.2); c.1778A>G, p.Asn593Ser (NM_001353085.2); c.2189A>G, p.Asn730Ser (NM_001353086.2); short protein forms N747S, N625S, N502S, N593S, N730S, N713S.
Identifiers: ClinVar variation 285792 (VCV000285792.12), dbSNP rs143613788, ClinGen allele CA8678118.

ClinVar aggregate classification (germline): Conflicting classifications of pathogenicity. Review status: criteria provided, conflicting classifications (1 of 4 stars). 7 submissions from 7 submitters: Uncertain significance (4); Likely benign (1). 2 of the submissions do not count toward it. Last evaluated 2026-07-31.

Conditions:
TRIM37-related disorder. Also called: TRIM37-related condition.

Allele frequency attached by ClinVar (database versions not stated): gnomAD 0.00048 and 0.00053; gnomAD exomes 0.00056 and 0.00045; ESP Exome Variant Server 0.00062; ExAC 0.00068; 1000 Genomes Project 30x 0.00031; 1000 Genomes Project 0.00040; TOPMed 0.00043.
gnomAD v4.1: 713 of 1,613,128 alleles (0.044%); highest among the groups gnomAD compares: African/African-American, 0.069%; no homozygotes.

Submissions (7):

PreventionGenetics, part of Exact Sciences
Classification: Uncertain significance for TRIM37-related condition. Last evaluated: 2026-07-31. Review status: criteria provided, single submitter. Criteria: ACMG Guidelines, 2015. Collection method: clinical testing. Allele origin: germline.
Comment: The TRIM37 c.2240A>G variant is predicted to result in the amino acid substitution p.Asn747Ser. To our knowledge, this variant has not been reported in the literature. This variant is reported in 0.086% of alleles in individuals of European (Finnish) descent in gnomAD, which may be too frequent to be a primary cause of disease. It is classified as uncertain in ClinVar (Variation ID: 285792). Although we suspect that this variant may be benign, at this time, the clinical significance of this variant is uncertain due to the absence of conclusive functional and genetic evidence.

Blueprint Genetics
Classification: Likely benign. Last evaluated: 2024-09-23. Review status: criteria provided, single submitter. Criteria: ACMG Guidelines, 2015. Collection method: clinical testing. Allele origin: germline.

Mayo Clinic Laboratories, Mayo Clinic
Classification: Uncertain significance. Last evaluated: 2022-10-13. Review status: criteria provided, single submitter. Criteria: ACMG Guidelines, 2015. Collection method: clinical testing. Allele origin: germline. Observed: 1 variant allele.
Comment: BP4

Labcorp Genetics (formerly Invitae), Labcorp
Classification: Uncertain significance. Last evaluated: 2022-09-01. Review status: criteria provided, single submitter. Criteria: Invitae Variant Classification Sherloc (09022015). Collection method: clinical testing. Allele origin: germline.
Comment: This sequence change replaces asparagine, which is neutral and polar, with serine, which is neutral and polar, at codon 747 of the TRIM37 protein (p.Asn747Ser). This variant is present in population databases (rs143613788, gnomAD 0.09%), and has an allele count higher than expected for a pathogenic variant. This variant has not been reported in the literature in individuals affected with TRIM37-related conditions. ClinVar contains an entry for this variant (Variation ID: 285792). Algorithms developed to predict the effect of missense changes on protein structure and function output the following: SIFT: "Not Available"; PolyPhen-2: "Benign"; Align-GVGD: "Not Available". The serine amino acid residue is found in multiple mammalian species, which suggests that this missense change does not adversely affect protein function. In summary, the available evidence is currently insufficient to determine the role of this variant in disease. Therefore, it has been classified as a Variant of Uncertain Significance.

Eurofins Ntd Llc (ga)
Classification: Uncertain significance. Last evaluated: 2016-02-03. Review status: criteria provided, single submitter. Criteria: EGL Classification Definitions 2015. Collection method: clinical testing. Allele origin: germline. Observed: 1 variant allele, 1 heterozygote.

Clinical Genetics DNA and cytogenetics Diagnostics Lab, Erasmus MC, Erasmus Medical Center
Classification: Likely benign. Review status: no assertion criteria provided. Collection method: clinical testing. Allele origin: germline. Affected: yes. Study: VKGL Data-share Consensus. Not counted in ClinVar's aggregate classification.

Laboratory of Diagnostic Genome Analysis, Leiden University Medical Center (LUMC)
Classification: Likely benign. Review status: no assertion criteria provided. Collection method: clinical testing. Allele origin: germline. Affected: yes. Study: VKGL Data-share Consensus. Not counted in ClinVar's aggregate classification.